The following is an entry in ClinVar:

ClinVar aggregate classification (germline): Likely benign (1 of 4 stars; one submission).

Conditions:
PLEKHA5-related disorder. Also called: PLEKHA5-related condition.

gnomAD v4.1: 324 of 1,612,322 alleles (0.02%); highest among the groups gnomAD compares: African/African-American, 0.4%; no homozygotes.

Submission:

PreventionGenetics, part of Exact Sciences
Classification: Likely benign for PLEKHA5-related condition. Last evaluated: 2025-06-27. Review status: criteria provided, single submitter. Criteria: ACMG Guidelines, 2015. Collection method: clinical testing. Allele origin: germline.
Comment: This variant is classified as likely benign based on ACMG/AMP sequence variant interpretation guidelines (Richards et al. 2015 PMID: 25741868, with internal and published modifications).

NM_001256470.2(PLEKHA5):c.3713A>C (p.Glu1238Ala)

Gene: PLEKHA5 (pleckstrin homology domain containing A5; plus strand). Cytogenetic location: 12p12.3.
Variant type: single nucleotide variant.
Coding change: c.3713A>C on transcript NM_001256470.2 (MANE Select); coding-DNA position 3713, A replaced by C.
Protein change: p.Glu1238Ala; replaces glutamic acid 1238 with alanine.
Molecular consequence: missense variant. On other transcripts: non-coding transcript variant (6).
Genome position (GRCh38, 1-based): chr12:19,366,068, A>C. VCF-style: chr12-19366068-A-C. GRCh37 (hg19) VCF-style: chr12-19519002-A-C.
Other names: c.3389A>C, p.Glu1130Ala (NM_001143821.3, NM_001385933.1, NM_001385968.1); c.3161A>C, p.Glu1054Ala (NM_001256787.2); c.3695A>C, p.Glu1232Ala (NM_001385923.1); c.3677A>C, p.Glu1226Ala (NM_001385924.1); c.3659A>C, p.Glu1220Ala (NM_001385925.1); c.3713A>C, p.Glu1238Ala (NM_001385926.1); c.3593A>C, p.Glu1198Ala (NM_001385927.1); c.3545A>C, p.Glu1182Ala (NM_001385928.1); and 30 more; short protein forms E1027A, E1038A, E1039A, E1049A, E1112A, E1130A, E1169A, E1226A.
Identifiers: ClinVar variation 4983972 (VCV004983972.1).